The following is an entry in ClinVar:

ClinVar aggregate classification (germline): Benign. Review status: criteria provided, multiple submitters, no conflicts (2 of 4 stars). 2 submissions from 2 submitters: Benign (2). Last evaluated 2018-06-14.

Allele frequency attached by ClinVar (database versions not stated): 1000 Genomes Project 0.82548; 1000 Genomes Project 30x 0.82573; TOPMed 0.87188; gnomAD 0.87903 and 0.88103; gnomAD exomes 0.89518.
gnomAD v4.1: 465,556 of 522,948 alleles (89%); highest among the groups gnomAD compares: Non-Finnish European, 92%; 208,527 homozygotes.

Submissions (2):

GeneDx
Classification: Benign. Last evaluated: 2018-06-14. Review status: criteria provided, single submitter. Criteria: GeneDx Variant Classification (06012015). Collection method: clinical testing. Allele origin: germline. Affected: yes.
Comment: This variant is considered likely benign or benign based on one or more of the following criteria: it is a conservative change, it occurs at a poorly conserved position in the protein, it is predicted to be benign by multiple in silico algorithms, and/or has population frequency not consistent with disease.

Breakthrough Genomics
Classification: Benign. Review status: criteria provided, single submitter. Criteria: ACMG Guidelines, 2015. Collection method: not provided. Allele origin: germline. Inheritance: Autosomal recessive inheritance. Affected: yes.

NM_001013703.4(EIF2AK4):c.4303-194G>A

Gene: EIF2AK4 (eukaryotic translation initiation factor 2 alpha kinase 4; plus strand). Cytogenetic location: 15q15.1.
Variant type: single nucleotide variant.
Coding change: c.4303-194G>A on transcript NM_001013703.4 (MANE Select); 194 bases into the intron before coding-DNA position 4303, G replaced by A.
Molecular consequence: intron variant.
Genome position (GRCh38, 1-based): chr15:40,022,325, G>A. VCF-style: chr15-40022325-G-A. GRCh37 (hg19) VCF-style: chr15-40314526-G-A.
Identifiers: ClinVar variation 674672 (VCV000674672.2), dbSNP rs3816899, ClinGen allele CA14200737.